The following is an entry in ClinVar:

NM_014159.7(SETD2):c.3590G>C (p.Arg1197Thr)

Gene: SETD2 (SET domain containing 2, histone lysine methyltransferase; minus strand). Cytogenetic location: 3p21.31.
Variant type: single nucleotide variant.
Coding change: c.3590G>C on transcript NM_014159.7 (MANE Select); coding-DNA position 3590, G replaced by C.
Protein change: p.Arg1197Thr; replaces arginine 1197 with threonine.
Molecular consequence: missense variant. On other transcripts: non-coding transcript variant (1).
Genome position (GRCh38, 1-based): chr3:47,121,046, C>G on the plus strand (G>C on the coding strand, the complement: SETD2 is on the minus strand). VCF-style: chr3-47121046-C-G. GRCh37 (hg19) VCF-style: chr3-47162536-C-G.
Other names: c.3458G>C, p.Arg1153Thr (NM_001349370.3); short protein forms R1153T, R1197T.
Identifiers: ClinVar variation 3251355 (VCV003251355.2), dbSNP rs2107749065.

ClinVar aggregate classification (germline): Uncertain significance. Review status: criteria provided, multiple submitters, no conflicts (2 of 4 stars). 2 submissions from 2 submitters: Uncertain significance (2). Last evaluated 2025-12-15.

Conditions:
Inborn genetic diseases. Identifiers: MedGen C0950123, MeSH D030342.

Submissions (2):

Ambry Genetics
Classification: Uncertain significance for Inborn genetic diseases. Last evaluated: 2025-12-15. Review status: criteria provided, single submitter. Criteria: Ambry Variant Classification Scheme 2023. Collection method: clinical testing. Allele origin: germline.

Women's Health and Genetics/Laboratory Corporation of America, LabCorp
Classification: Uncertain significance. Last evaluated: 2024-04-11. Review status: criteria provided, single submitter. Criteria: LabCorp Variant Classification Summary - May 2015. Collection method: clinical testing. Allele origin: germline.
Comment: Variant summary: SETD2 c.3590G>C (p.Arg1197Thr) results in a non-conservative amino acid change in the encoded protein sequence. Four of five in-silico tools predict a benign effect of the variant on protein function. The variant was absent in 251056 control chromosomes. The available data on variant occurrences in the general population are insufficient to allow any conclusion about variant significance. To our knowledge, no occurrence of c.3590G>C in individuals affected with Luscan-Lumish Syndrome and no experimental evidence demonstrating its impact on protein function have been reported. No submitters have cited clinical-significance assessments for this variant to ClinVar. Based on the evidence outlined above, the variant was classified as uncertain significance.